The following is an entry in ClinVar:

NM_000395.3(CSF2RB):c.2254C>A (p.Pro752Thr)

Gene: CSF2RB (colony stimulating factor 2 receptor subunit beta; plus strand). Cytogenetic location: 22q12.3.
Variant type: single nucleotide variant.
Coding change: c.2254C>A on transcript NM_000395.3 (MANE Select); coding-DNA position 2254, C replaced by A.
Protein change: p.Pro752Thr; replaces proline 752 with threonine.
Molecular consequence: missense variant.
Genome position (GRCh38, 1-based): chr22:36,938,062, C>A. VCF-style: chr22-36938062-C-A. GRCh37 (hg19) VCF-style: chr22-37334104-C-A.
Other names: c.2272C>A, p.Pro758Thr (NM_001410827.1); short protein forms P758T, P752T.
Identifiers: ClinVar variation 4706053 (VCV004706053.1).
Genomic context (GRCh38, chr22:36,938,062, plus strand): 5'-CCCTCTCTGGGCCTCCCCTCAGACCAGACCCCCAGCTTATGTCCTGGGCTGGCCAGTGGA[C>A]CCCCTGGAGCCCCAGGCCCTGTGAAGTCAGGGTTTGAGGGCTATGTGGAGCTCCCTCCAA-3'
Protein context (NP_000386.1, residues 742-762): PSLCPGLASG[Pro752Thr]PGAPGPVKSG

ClinVar aggregate classification (germline): Uncertain significance (1 of 4 stars; one submission).

gnomAD v4.1: 43 of 1,613,996 alleles (0.0027%); highest among the groups gnomAD compares: Non-Finnish European, 0.0034%; no homozygotes.

Submission:

Labcorp Genetics (formerly Invitae), Labcorp
Classification: Uncertain significance. Last evaluated: 2025-04-10. Review status: criteria provided, single submitter. Criteria: Invitae Variant Classification Sherloc (09022015). Collection method: clinical testing. Allele origin: germline.
Comment: This sequence change replaces proline, which is neutral and non-polar, with threonine, which is neutral and polar, at codon 752 of the CSF2RB protein (p.Pro752Thr). This variant is present in population databases (rs376529446, gnomAD 0.004%). This variant has not been reported in the literature in individuals affected with CSF2RB-related conditions. Invitae Evidence Modeling of protein sequence and biophysical properties (such as structural, functional, and spatial information, amino acid conservation, physicochemical variation, residue mobility, and thermodynamic stability) has been performed for this missense variant. However, the output from this modeling did not meet the statistical confidence thresholds required to predict the impact of this variant on CSF2RB protein function. In summary, the available evidence is currently insufficient to determine the role of this variant in disease. Therefore, it has been classified as a Variant of Uncertain Significance.